The following is an entry in ClinVar:

NM_020843.4(SCAPER):c.896A>G (p.Asp299Gly)

Gene: SCAPER (S-phase cyclin A associated protein in the ER; minus strand). Cytogenetic location: 15q24.3.
Variant type: single nucleotide variant.
Coding change: c.896A>G on transcript NM_020843.4 (MANE Select); coding-DNA position 896, A replaced by G.
Protein change: p.Asp299Gly; replaces aspartic acid 299 with glycine.
Molecular consequence: missense variant. On other transcripts: non-coding transcript variant (1).
Genome position (GRCh38, 1-based): chr15:76,774,994, T>C on the plus strand (A>G on the coding strand, the complement: SCAPER is on the minus strand). VCF-style: chr15-76774994-T-C. GRCh37 (hg19) VCF-style: chr15-77067335-T-C.
Other names: c.158A>G, p.Asp53Gly (NM_001145923.2); c.896A>G, p.Asp299Gly (NM_001353009.2); c.494A>G, p.Asp165Gly (NM_001353010.2, NM_001353011.2, NM_001353012.2); c.896A>G (NM_001353009.1); short protein forms D299G, D53G, D165G.
Identifiers: ClinVar variation 4926002 (VCV004926002.2).

ClinVar aggregate classification (germline): Uncertain significance. Review status: criteria provided, multiple submitters, no conflicts (2 of 4 stars). 2 submissions from 2 submitters: Uncertain significance (2). Last evaluated 2026-05-27.

Conditions:
SCAPER-related disorder. Also called: SCAPER-related condition.

gnomAD v4.1: 15 of 1,613,794 alleles (0.00093%); highest among the groups gnomAD compares: African/African-American, 0.015%; no homozygotes.

Submissions (2):

PreventionGenetics, part of Exact Sciences
Classification: Uncertain significance for SCAPER-related condition. Last evaluated: 2026-05-27. Review status: criteria provided, single submitter. Criteria: ACMG Guidelines, 2015. Collection method: clinical testing. Allele origin: germline.
Comment: The SCAPER c.896A>G variant is predicted to result in the amino acid substitution p.Asp299Gly. To our knowledge, this variant has not been reported in the literature. This variant is reported in 0.019% of alleles in individuals of African descent in gnomAD. At this time, the clinical significance of this variant is uncertain due to the absence of conclusive functional and genetic evidence.

Blueprint Genetics
Classification: Uncertain significance. Last evaluated: 2022-03-17. Review status: criteria provided, single submitter. Criteria: ACMG Guidelines, 2015. Collection method: clinical testing. Allele origin: germline.